The following is an entry in ClinVar:

ClinVar aggregate classification (germline): Uncertain significance (1 of 4 stars; one submission).

Conditions:
Cardiovascular phenotype. Identifiers: MedGen CN230736.

Allele frequency attached by ClinVar (database versions not stated): gnomAD exomes below 0.00001; gnomAD 0.00001; ExAC 0.00002; 1000 Genomes Project 30x 0.00016; 1000 Genomes Project 0.00020.
gnomAD v4.1: 7 of 1,613,924 alleles (0.00043%); highest among the groups gnomAD compares: East Asian, 0.0022%; no homozygotes.

Submission:

Ambry Genetics
Classification: Uncertain significance for Cardiovascular phenotype. Last evaluated: 2020-11-16. Review status: criteria provided, single submitter. Criteria: Ambry Variant Classification Scheme 2023. Collection method: clinical testing. Allele origin: germline.
Comment: The p.E1434Q variant (also known as c.4300G>C), located in coding exon 8 of the ALMS1 gene, results from a G to C substitution at nucleotide position 4300. The glutamic acid at codon 1434 is replaced by glutamine, an amino acid with highly similar properties. This amino acid position is well conserved in available vertebrate species. In addition, this alteration is predicted to be tolerated by in silico analysis. Since supporting evidence is limited at this time, the clinical significance of this alteration remains unclear.

NM_001378454.1(ALMS1):c.4297G>C (p.Glu1433Gln)

Gene: ALMS1 (ALMS1 centrosome and basal body associated protein; plus strand). Cytogenetic location: 2p13.1.
Variant type: single nucleotide variant.
Coding change: c.4297G>C on transcript NM_001378454.1 (MANE Select); coding-DNA position 4297, G replaced by C.
Protein change: p.Glu1433Gln; replaces glutamic acid 1433 with glutamine.
Molecular consequence: missense variant.
Genome position (GRCh38, 1-based): chr2:73,450,824, G>C. VCF-style: chr2-73450824-G-C. GRCh37 (hg19) VCF-style: chr2-73677951-G-C.
Other names: c.4300G>C, p.Glu1434Gln (NM_015120.4); short protein forms E1434Q, E1433Q.
Identifiers: ClinVar variation 1739559 (VCV001739559.2), dbSNP rs577224267, ClinGen allele CA1713679.